The following is an entry in ClinVar:

NM_000051.4(ATM):c.5445C>G (p.Asp1815Glu)

Gene: ATM (ATM serine/threonine kinase; plus strand). Cytogenetic location: 11q22.3.
Variant type: single nucleotide variant.
Coding change: c.5445C>G on transcript NM_000051.4 (MANE Select); coding-DNA position 5445, C replaced by G.
Protein change: p.Asp1815Glu; replaces aspartic acid 1815 with glutamic acid.
Molecular consequence: missense variant.
Genome position (GRCh38, 1-based): chr11:108,302,978, C>G. VCF-style: chr11-108302978-C-G. GRCh37 (hg19) VCF-style: chr11-108173705-C-G.
Other names: c.5445C>G, p.Asp1815Glu (NM_001351834.2); short protein forms D1815E.
Identifiers: ClinVar variation 453579 (VCV000453579.9), dbSNP rs1555106518, ClinGen allele CA382544186.

ClinVar aggregate classification (germline): Conflicting classifications of pathogenicity. Review status: criteria provided, conflicting classifications (1 of 4 stars). 2 submissions from 2 submitters: Uncertain significance (1); Likely benign (1). Last evaluated 2026-03-02.

Conditions:
Hereditary cancer-predisposing syndrome. Also called: Neoplastic Syndromes, Hereditary; Tumor predisposition; Hereditary neoplastic syndrome; Hereditary Cancer Syndrome. Identifiers: Orphanet 140162, MedGen C0027672, MeSH D009386, MONDO:0015356.
Ataxia-telangiectasia syndrome (AT). Also called: Ataxia-telangiectasia, complementation group D; Ataxia-telangiectasia, complementation group E; AT, COMPLEMENTATION GROUP C; ATAXIA-TELANGIECTASIA, COMPLEMENTATION GROUP A; ATAXIA-TELANGIECTASIA, FRESNO VARIANT; Ataxia-telangiectasia. Identifiers: Orphanet 100, MedGen C0004135, MONDO:0008840, OMIM 208900.

Submissions (2):

Ambry Genetics
Classification: Likely benign for Hereditary cancer-predisposing syndrome. Last evaluated: 2026-03-02. Review status: criteria provided, single submitter. Criteria: Ambry Variant Classification Scheme 2023. Collection method: clinical testing. Allele origin: germline.

Labcorp Genetics (formerly Invitae), Labcorp
Classification: Uncertain significance for Ataxia-telangiectasia syndrome. Last evaluated: 2017-05-09. Review status: criteria provided, single submitter. Criteria: Invitae Variant Classification Sherloc (09022015). Collection method: clinical testing. Allele origin: germline.
Comment: In summary, this variant is a novel missense change that is not predicted to affect protein function. There is no indication that it causes disease, but the available evidence is currently insufficient to prove that conclusively. Therefore, it has been classified as a Variant of Uncertain Significance. Algorithms developed to predict the effect of missense changes on protein structure and function (SIFT, PolyPhen-2, Align-GVGD) all suggest that this variant is likely to be tolerated, but these predictions have not been confirmed by published functional studies. This variant is not present in population databases (ExAC no frequency) and has not been reported in the literature in individuals with an ATM-related disease. This sequence change replaces aspartic acid with glutamic acid at codon 1815 of the ATM protein (p.Asp1815Glu). The aspartic acid residue is moderately conserved and there is a small physicochemical difference between aspartic acid and glutamic acid.